The following is an entry in ClinVar:

NM_015559.3(SETBP1):c.3846T>A (p.Ser1282Arg)

Gene: SETBP1 (SET binding protein 1; plus strand). Cytogenetic location: 18q12.3.
Variant type: single nucleotide variant.
Coding change: c.3846T>A on transcript NM_015559.3 (MANE Select); coding-DNA position 3846, T replaced by A.
Protein change: p.Ser1282Arg; replaces serine 1282 with arginine.
Molecular consequence: missense variant.
Genome position (GRCh38, 1-based): chr18:44,953,186, T>A. VCF-style: chr18-44953186-T-A. GRCh37 (hg19) VCF-style: chr18-42533151-T-A.
Other names: c.3846T>A, p.Ser1282Arg (NM_001379141.1, NM_001379142.1); short protein forms S1282R.
Identifiers: ClinVar variation 1423863 (VCV001423863.8), dbSNP rs748305579, ClinGen allele CA8946001.

ClinVar aggregate classification (germline): Uncertain significance (1 of 4 stars; one submission).

Allele frequency attached by ClinVar (database versions not stated): gnomAD exomes below 0.00001; ExAC 0.00001.
gnomAD v4.1: 1 of 1,613,762 alleles (0.000062%); highest among the groups gnomAD compares: Non-Finnish European, 0.000085%; no homozygotes.

Submission:

Labcorp Genetics (formerly Invitae), Labcorp
Classification: Uncertain significance. Last evaluated: 2024-10-16. Review status: criteria provided, single submitter. Criteria: Invitae Variant Classification Sherloc (09022015). Collection method: clinical testing. Allele origin: germline.
Comment: This sequence change replaces serine, which is neutral and polar, with arginine, which is basic and polar, at codon 1282 of the SETBP1 protein (p.Ser1282Arg). This variant is present in population databases (rs748305579, gnomAD 0.0009%). This variant has not been reported in the literature in individuals affected with SETBP1-related conditions. ClinVar contains an entry for this variant (Variation ID: 1423863). Invitae Evidence Modeling of protein sequence and biophysical properties (such as structural, functional, and spatial information, amino acid conservation, physicochemical variation, residue mobility, and thermodynamic stability) indicates that this missense variant is not expected to disrupt SETBP1 protein function with a negative predictive value of 80%. In summary, the available evidence is currently insufficient to determine the role of this variant in disease. Therefore, it has been classified as a Variant of Uncertain Significance.